The following is an entry in ClinVar:

ClinVar aggregate classification (germline): Uncertain significance. Review status: criteria provided, multiple submitters, no conflicts (2 of 4 stars). 4 submissions from 4 submitters: Uncertain significance (4). Last evaluated 2025-11-04.

Conditions:
Autosomal recessive limb-girdle muscular dystrophy type 2J (LGMDR10). Also called: MUSCULAR DYSTROPHY, LIMB-GIRDLE, AUTOSOMAL RECESSIVE 10; Limb-girdle muscular dystrophy, type 2J. Identifiers: Orphanet 140922, MedGen C1837342, MONDO:0012127, OMIM 608807.
TTN-related disorder. Also called: TTN-related disorders; TTN-related condition; TTN-related disease.
Cardiovascular phenotype. Identifiers: MedGen CN230736.

gnomAD v4.1: 8 of 1,613,326 alleles (0.0005%); highest among the groups gnomAD compares: Admixed American, 0.0083%; no homozygotes.

Submissions (4):

Dasa
Classification: Uncertain significance for Autosomal recessive limb-girdle muscular dystrophy type 2J. Last evaluated: 2025-11-04. Review status: criteria provided, single submitter. Criteria: DASA Assertion Criteria. Collection method: clinical testing. Allele origin: germline.
Comment: NM_001267550.2(TTN):c.58274C>T (p.Ala19425Val) is a missense variant that results in the substitution of alanine with valine. This variant is rare in population databases. Computational prediction algorithms are consistent with a benign effect. The currently available literature and clinical evidence are not sufficient to establish a definitive association between this variant and the reported condition. Therefore, this variant is classified as a variant of uncertain significance.

PreventionGenetics, part of Exact Sciences
Classification: Uncertain significance for TTN-related condition. Last evaluated: 2025-10-17. Review status: criteria provided, single submitter. Criteria: ACMG Guidelines, 2015. Collection method: clinical testing. Allele origin: germline.
Comment: The TTN c.58274C>T variant is predicted to result in the amino acid substitution p.Ala19425Val. To our knowledge, this variant has not been reported in the literature. This variant is reported in 0.0065% of alleles in individuals of African descent in gnomAD. At this time, the clinical significance of this variant is uncertain due to the absence of conclusive functional and genetic evidence.

Revvity Omics, Revvity
Classification: Uncertain significance. Last evaluated: 2021-11-18. Review status: criteria provided, single submitter. Criteria: ACMG Guidelines, 2015. Collection method: clinical testing. Allele origin: germline.

Ambry Genetics
Classification: Uncertain significance for Cardiovascular phenotype. Last evaluated: 2019-04-11. Review status: criteria provided, single submitter. Criteria: Ambry Variant Classification Scheme 2023. Collection method: clinical testing. Allele origin: germline.
Comment: The p.A10360V variant (also known as c.31079C>T), located in coding exon 124 of the TTN gene, results from a C to T substitution at nucleotide position 31079. The alanine at codon 10360 is replaced by valine, an amino acid with similar properties. This amino acid position is not well conserved in available vertebrate species, and valine is the reference amino acid in other vertebrate species. In addition, this alteration is predicted to be tolerated by in silico analysis. Since supporting evidence is limited at this time, the clinical significance of this alteration remains unclear.

NM_001267550.2(TTN):c.58274C>T (p.Ala19425Val)

Genes: TTN (titin; minus strand), TTN-AS1 (TTN antisense RNA 1; plus strand). Cytogenetic location: 2q31.2.
Variant type: single nucleotide variant.
Coding change: c.58274C>T on transcript NM_001267550.2 (MANE Select); coding-DNA position 58274, C replaced by T.
Protein change: p.Ala19425Val; replaces alanine 19425 with valine.
Molecular consequence: missense variant.
Genome position (GRCh38, 1-based): chr2:178,594,119, G>A on the plus strand (C>T on the coding strand, the complement: TTN is on the minus strand). VCF-style: chr2-178594119-G-A. GRCh37 (hg19) VCF-style: chr2-179458846-G-A.
Other names: c.53351C>T, p.Ala17784Val (NM_001256850.1); c.31079C>T, p.Ala10360Val (NM_003319.4); c.50570C>T, p.Ala16857Val (NM_133378.4); c.31454C>T, p.Ala10485Val (NM_133432.3); c.31655C>T, p.Ala10552Val (NM_133437.4); short protein forms A17784V, A19425V, A10360V, A10552V, A10485V, A16857V.
Identifiers: ClinVar variation 1727693 (VCV001727693.8), dbSNP rs727504525, ClinGen allele CA60971809.